The following is an entry in ClinVar:

NM_002471.4(MYH6):c.1810G>C (p.Glu604Gln)

Gene: MYH6 (myosin heavy chain 6; minus strand). Cytogenetic location: 14q11.2.
Variant type: single nucleotide variant.
Coding change: c.1810G>C on transcript NM_002471.4 (MANE Select); coding-DNA position 1810, G replaced by C.
Protein change: p.Glu604Gln; replaces glutamic acid 604 with glutamine.
Molecular consequence: missense variant.
Genome position (GRCh38, 1-based): chr14:23,398,809, C>G on the plus strand (G>C on the coding strand, the complement: MYH6 is on the minus strand). VCF-style: chr14-23398809-C-G. GRCh37 (hg19) VCF-style: chr14-23868018-C-G.
Other names: short protein forms E604Q.
Identifiers: ClinVar variation 3915588 (VCV003915588.1).

ClinVar aggregate classification (germline): Uncertain significance (1 of 4 stars; one submission).

Conditions:
Cardiovascular phenotype. Identifiers: MedGen CN230736.

Submission:

Ambry Genetics
Classification: Uncertain significance for Cardiovascular phenotype. Last evaluated: 2025-04-10. Review status: criteria provided, single submitter. Criteria: Ambry Variant Classification Scheme 2023. Collection method: clinical testing. Allele origin: germline.
Comment: The p.E604Q variant (also known as c.1810G>C), located in coding exon 13 of the MYH6 gene, results from a G to C substitution at nucleotide position 1810. The glutamic acid at codon 604 is replaced by glutamine, an amino acid with highly similar properties. This amino acid position is conserved. In addition, this alteration is predicted to be tolerated by in silico analysis. Based on the available evidence, the clinical significance of this variant remains unclear.